The following is an entry in ClinVar:

NM_001379291.1(BRD4):c.755C>G (p.Pro252Arg)

Gene: BRD4 (bromodomain containing 4; minus strand). Cytogenetic location: 19p13.12.
Variant type: single nucleotide variant.
Coding change: c.755C>G on transcript NM_001379291.1 (MANE Select); coding-DNA position 755, C replaced by G.
Protein change: p.Pro252Arg; replaces proline 252 with arginine.
Molecular consequence: missense variant.
Genome position (GRCh38, 1-based): chr19:15,265,448, G>C on the plus strand (C>G on the coding strand, the complement: BRD4 is on the minus strand). VCF-style: chr19-15265448-G-C. GRCh37 (hg19) VCF-style: chr19-15376259-G-C.
Other names: c.755C>G, p.Pro252Arg (NM_001330384.2, NM_001379292.1, NM_014299.3 and 1 more transcripts); short protein forms P252R.
Identifiers: ClinVar variation 1568249 (VCV001568249.33), dbSNP rs200633797, ClinGen allele CA9265544.
Genomic context (GRCh38, chr19:15,265,448, plus strand): 5'-GGGTGGCTCTGTACGGGCTGGGGAGCTGGAGCGGGTGGGGGTTGTGGCTGGGGGGGCACT[G>C]GCGGGGGCGTCTGCAGTGGCTGGGGAGGCACCACTGTCATGACAGGGGTCTGGACGATGA-3'
Protein context (NP_001366220.1, residues 242-262): VPPQPLQTPP[Pro252Arg]VPPQPQPPPA

ClinVar aggregate classification (germline): Benign/Likely benign. Review status: criteria provided, multiple submitters, no conflicts (2 of 4 stars). 3 submissions from 3 submitters: Benign (1); Likely benign (2). Last evaluated 2026-05-01.

Allele frequency attached by ClinVar (database versions not stated): 1000 Genomes Project 30x 0.00047; TOPMed 0.00072; gnomAD 0.00075 and 0.00076; gnomAD exomes 0.00080; ExAC 0.00093.

Submissions (3):

CeGaT Center for Human Genetics Tuebingen
Classification: Benign. Last evaluated: 2026-05-01. Review status: criteria provided, single submitter. Criteria: CeGaT Center For Human Genetics Tuebingen Variant Classification Criteria Version 2. Collection method: clinical testing. Allele origin: germline. Affected: yes. Observed: 9 variant alleles.
Comment: BRD4: BP4, BS1, BS2

Labcorp Genetics (formerly Invitae), Labcorp
Classification: Likely benign. Last evaluated: 2025-12-30. Review status: criteria provided, single submitter. Criteria: Invitae Variant Classification Sherloc (09022015). Collection method: clinical testing. Allele origin: germline.

Breakthrough Genomics
Classification: Likely benign. Review status: criteria provided, single submitter. Criteria: ACMG Guidelines, 2015. Collection method: not provided. Allele origin: germline. Inheritance: Unknown mechanism. Affected: yes.